The following is an entry in ClinVar:

NM_001358530.2(MOCS1):c.574C>T (p.Arg192Cys)

Gene: MOCS1 (molybdenum cofactor synthesis 1; minus strand). Cytogenetic location: 6p21.2.
Variant type: single nucleotide variant.
Coding change: c.574C>T on transcript NM_001358530.2 (MANE Select); coding-DNA position 574, C replaced by T.
Protein change: p.Arg192Cys; replaces arginine 192 with cysteine.
Molecular consequence: missense variant. On other transcripts: non-coding transcript variant (1).
Genome position (GRCh38, 1-based): chr6:39,916,077, G>A on the plus strand (C>T on the coding strand, the complement: MOCS1 is on the minus strand). VCF-style: chr6-39916077-G-A. GRCh37 (hg19) VCF-style: chr6-39883821-G-A.
Other names: c.574C>T, p.Arg192Cys (NM_001075098.4, NM_001358529.2, NM_005943.6); c.313C>T, p.Arg105Cys (NM_001358531.2, NM_001358533.2, NM_001358534.2); short protein forms R105C, R192C.
Identifiers: ClinVar variation 1510595 (VCV001510595.3), dbSNP rs768205504, ClinGen allele CA3796250.

ClinVar aggregate classification (germline): Uncertain significance (1 of 4 stars; one submission).

Conditions:
Sulfite oxidase deficiency due to molybdenum cofactor deficiency type A. Also called: Molybdenum cofactor deficiency, complementation group A; Molybdenum Cofactor Deficiency A. Identifiers: Orphanet 308386, Orphanet 833, MedGen C1854988, MONDO:0009643, OMIM 252150.

Allele frequency attached by ClinVar (database versions not stated): ExAC 0.00001; gnomAD exomes 0.00001 and 0.00002; TOPMed 0.00001; gnomAD 0.00002 and 0.00003.

Submission:

Labcorp Genetics (formerly Invitae), Labcorp
Classification: Uncertain significance for Sulfite oxidase deficiency due to molybdenum cofactor deficiency type A. Last evaluated: 2022-09-07. Review status: criteria provided, single submitter. Criteria: Invitae Variant Classification Sherloc (09022015). Collection method: clinical testing. Allele origin: germline.
Comment: This sequence change replaces arginine, which is basic and polar, with cysteine, which is neutral and slightly polar, at codon 192 of the MOCS1 protein (p.Arg192Cys). The frequency data for this variant in the population databases is considered unreliable, as metrics indicate poor data quality at this position in the gnomAD database. This variant has not been reported in the literature in individuals affected with MOCS1-related conditions. ClinVar contains an entry for this variant (Variation ID: 1510595). Algorithms developed to predict the effect of missense changes on protein structure and function (SIFT, PolyPhen-2, Align-GVGD) all suggest that this variant is likely to be disruptive. In summary, the available evidence is currently insufficient to determine the role of this variant in disease. Therefore, it has been classified as a Variant of Uncertain Significance.